The following is an entry in ClinVar:

NM_000038.6(APC):c.2781T>G (p.Ala927=)

Gene: APC (APC regulator of Wnt signaling pathway; plus strand). Cytogenetic location: 5q22.2.
Variant type: single nucleotide variant.
Coding change: c.2781T>G on transcript NM_000038.6 (MANE Select); coding-DNA position 2781, T replaced by G.
Protein change: p.Ala927=; no amino-acid change (alanine 927 retained).
Molecular consequence: synonymous variant. On other transcripts: non-coding transcript variant (2).
Genome position (GRCh38, 1-based): chr5:112,838,375, T>G. VCF-style: chr5-112838375-T-G. GRCh37 (hg19) VCF-style: chr5-112174072-T-G.
Other names: c.2781T>G, p.Ala927= (NM_001127510.3, NM_001354895.2, NM_001407450.1); c.2727T>G, p.Ala909= (NM_001127511.3); c.2835T>G, p.Ala945= (NM_001354896.2, NM_001407447.1, NM_001407448.1 and 1 more transcripts); c.2811T>G, p.Ala937= (NM_001354897.2); c.2706T>G, p.Ala902= (NM_001354898.2); c.2697T>G, p.Ala899= (NM_001354899.2); c.2658T>G, p.Ala886= (NM_001354900.2); c.2604T>G, p.Ala868= (NM_001354901.2, NM_001407453.1); and 11 more.
Identifiers: ClinVar variation 2566967 (VCV002566967.4), dbSNP rs2149877263, ClinGen allele CA445962876.

ClinVar aggregate classification (germline): Benign/Likely benign. Review status: criteria provided, multiple submitters, no conflicts (2 of 4 stars). 4 submissions from 4 submitters: Benign (1); Likely benign (3). Last evaluated 2025-06-23.

Conditions:
Hereditary cancer-predisposing syndrome. Also called: Tumor predisposition; Neoplastic Syndromes, Hereditary; Hereditary Cancer Syndrome; Hereditary neoplastic syndrome. Identifiers: Orphanet 140162, MedGen C0027672, MeSH D009386, MONDO:0015356.
Familial adenomatous polyposis 1 (FAP1). Also called: FAMILIAL ADENOMATOUS POLYPOSIS 1, ATTENUATED; POLYPOSIS, ADENOMATOUS INTESTINAL. Identifiers: MedGen C2713442, MONDO:0021056, OMIM 175100. Disease mechanism: loss of function.

Allele frequency attached by ClinVar (database versions not stated): gnomAD exomes below 0.00001.

Submissions (4):

Color Diagnostics, LLC DBA Color Health
Classification: Likely benign for Hereditary cancer-predisposing syndrome. Last evaluated: 2025-06-23. Review status: criteria provided, single submitter. Criteria: ACMG Guidelines, 2015. Collection method: clinical testing. Allele origin: germline.

Myriad Genetics, Inc.
Classification: Benign for Familial adenomatous polyposis 1. Last evaluated: 2024-03-15. Review status: criteria provided, single submitter. Criteria: Myriad Autosomal Dominant, Autosomal Recessive and X-Linked Classification Criteria (2023). Collection method: clinical testing. Allele origin: unknown.
Comment: This variant is considered benign. This variant is a silent/synonymous amino acid change and it is not expected to impact splicing.

Blueprint Genetics
Classification: Likely benign. Last evaluated: 2023-06-01. Review status: criteria provided, single submitter. Criteria: ACMG Guidelines, 2015. Collection method: clinical testing. Allele origin: germline.

Ambry Genetics
Classification: Likely benign for Hereditary cancer-predisposing syndrome. Last evaluated: 2023-04-16. Review status: criteria provided, single submitter. Criteria: Ambry Variant Classification Scheme 2023. Collection method: clinical testing. Allele origin: germline.